The following is an entry in ClinVar:

ClinVar aggregate classification (germline): Likely benign. Review status: reviewed by expert panel (3 of 4 stars). 3 submissions from 3 submitters: Likely benign (1). 2 of the submissions do not count toward it. Last evaluated 2025-12-19.

Conditions:
Immunodeficiency 14 (IMD14A). Also called: p110-DELTA-ACTIVATING MUTATION CAUSING SENESCENT T CELLS, LYMPHADENOPATHY, AND IMMUNODEFICIENCY; Activated PI3K Delta Syndrome Type 1 (APDS1); ACTIVATED PI3K-DELTA SYNDROME 1; IMMUNODEFICIENCY 14A WITH LYMPHOPROLIFERATION, AUTOSOMAL DOMINANT. Identifiers: Orphanet 397596, Orphanet 693661, MedGen C5907821, MONDO:0014222, OMIM 615513.

Allele frequency attached by ClinVar (database versions not stated): ExAC 0.00001; gnomAD exomes 0.00003; TOPMed 0.00003; gnomAD 0.00001.
gnomAD v4.1: 26 of 1,613,598 alleles (0.0016%); highest among the groups gnomAD compares: South Asian, 0.0088%; no homozygotes.

Submissions (3):

ClinGen Primary Immune Regulatory Disorders Variant Curation Expert Panel, ClinGen
Classification: Likely benign for Immunodeficiency 14. Last evaluated: 2025-12-19. Review status: reviewed by expert panel. Criteria: ClinGen AbDef ACMG Specifications PIK3CD V1.0.0. Collection method: curation. Allele origin: germline. Inheritance: Autosomal dominant inheritance.
Comment: NM_005026.5(PIK3CD):c.2296G>A (p.Glu766Lys) is a missense variant causing substitution of glutamic acid by lysine at amino acid 766. This variant is present in gnomAD v4.1.0 at a total combined allele frequency of 0.00001611, with 26 alleles / 1,613,598 total alleles across all populations of gnomAD, which is higher than the ClinGen Antibody Deficiencies VCEP PM2_Supporting threshold of <0.00000132. The variant is present in gnomAD v.4.1.0 at a GrpMax allele frequency of 0.00004369, with 8 alleles / 91,056 total alleles in the South Asian population, which is lower than the BS1 threshold of >0.000316, so no population code can be applied. At least one patient with this variant had a phenotype including fever, weight loss, lymphadenopathy (4 pts), and familial haemophagocytic lymphohistiocytosis, with next-generation sequencing-based genotyping that did not identify an alternative basis for disease in the PIK3R1 gene, which together are not sufficiently specific for immunodeficiency 14 to meet PP4 (4 total points, PMID: 33225392). The computational predictor REVEL gives a score of 0.222, which is below the ClinGen Antibody Deficiencies VCEP threshold of <0.290 and predicts a non-damaging effect on PIK3CD function. The computational predictor CADD gives a PHRED score of 20.1, which is below the ClinGen Antibody Deficiencies VCEP threshold of <22.7 and predicts a non-deleterious effect on PIK3CD function. The two predictors agree on a non-damaging effect (BP4). In summary, this variant meets the criteria to be classified as likely benign for autosomal dominant immunodeficiency 14 based on the ACMG/AMP criteria applied, as specified by the ClinGen Antibody Deficiencies VCEP: BP4. (VCEP specifications version 1.0.0).

Labcorp Genetics (formerly Invitae), Labcorp
Classification: Uncertain significance for Activated PI3K-delta syndrome. Last evaluated: 2025-06-01. Review status: criteria provided, single submitter. Criteria: Invitae Variant Classification Sherloc (09022015). Collection method: clinical testing. Allele origin: germline. Not counted in ClinVar's aggregate classification.
Comment: This sequence change replaces glutamic acid, which is acidic and polar, with lysine, which is basic and polar, at codon 766 of the PIK3CD protein (p.Glu766Lys). This variant is present in population databases (rs745896452, gnomAD 0.01%). This missense change has been observed in individual(s) with clinical features of PIK3CD-related conditions (PMID: 33225392). ClinVar contains an entry for this variant (Variation ID: 846790). Invitae Evidence Modeling of protein sequence and biophysical properties (such as structural, functional, and spatial information, amino acid conservation, physicochemical variation, residue mobility, and thermodynamic stability) indicates that this missense variant is not expected to disrupt PIK3CD protein function with a negative predictive value of 80%. In summary, the available evidence is currently insufficient to determine the role of this variant in disease. Therefore, it has been classified as a Variant of Uncertain Significance.

Revvity Omics, Revvity
Classification: Uncertain significance. Last evaluated: 2025-04-17. Review status: criteria provided, single submitter. Criteria: ACMG Guidelines, 2015. Collection method: clinical testing. Allele origin: germline. Not counted in ClinVar's aggregate classification.

Literature cited by the submitters: PubMed 33225392 (cited by Labcorp Genetics (formerly Invitae), Labcorp).

NM_005026.5(PIK3CD):c.2296G>A (p.Glu766Lys)

Gene: PIK3CD (phosphatidylinositol-4,5-bisphosphate 3-kinase catalytic subunit delta; plus strand). Cytogenetic location: 1p36.22.
Variant type: single nucleotide variant.
Coding change: c.2296G>A on transcript NM_005026.5 (MANE Select); coding-DNA position 2296, G replaced by A.
Protein change: p.Glu766Lys; replaces glutamic acid 766 with lysine.
Molecular consequence: missense variant.
Genome position (GRCh38, 1-based): chr1:9,722,305, G>A. VCF-style: chr1-9722305-G-A. GRCh37 (hg19) VCF-style: chr1-9782363-G-A.
Other names: NM_005026.5(PIK3CD):c.2296G>A; p.Glu766Lys; c.2293G>A, p.Glu765Lys (NM_001350234.2); c.2209G>A, p.Glu737Lys (NM_001350235.1); short protein forms E765K, E737K, E766K.
Identifiers: ClinVar variation 846790 (VCV000846790.11), dbSNP rs745896452, ClinGen allele CA577485.